The following is an entry in ClinVar:

ClinVar aggregate classification (germline): Uncertain significance (1 of 4 stars; one submission).

Submission:

Labcorp Genetics (formerly Invitae), Labcorp
Classification: Uncertain significance. Last evaluated: 2021-04-21. Review status: criteria provided, single submitter. Criteria: Invitae Variant Classification Sherloc (09022015). Collection method: clinical testing. Allele origin: germline.
Comment: In summary, the available evidence is currently insufficient to determine the role of this variant in disease. Therefore, it has been classified as a Variant of Uncertain Significance. Experimental studies and prediction algorithms are not available or were not evaluated, and the functional significance of this variant is currently unknown. This variant has not been reported in the literature in individuals with CTNNA1-related conditions. This variant is not present in population databases (ExAC no frequency). This variant occurs in a non-coding region of the CTNNA1 gene. It does not change the encoded amino acid sequence of the CTNNA1 protein.

NM_001903.5(CTNNA1):c.2711_*10dup (p.Asp904_Ter907=)

Gene: CTNNA1 (catenin alpha 1; plus strand). Cytogenetic location: 5q31.2.
Variant type: Duplication.
Coding change: c.2711_*10dup on transcript NM_001903.5 (MANE Select); coding-DNA position 2711 through 10 bases downstream of the stop codon, 21 bases duplicated (ACAGCATCTAAGTCTGCCCAG).
Protein change: p.Asp904_Ter907=.
Molecular consequence: no sequence alteration. On other transcripts: 3 prime UTR variant (5).
Genome position (GRCh38, 1-based): chr5:138,934,079-138,934,099, ACAGCATCTAAGTCTGCCCAG duplicated; duplicating any 21 consecutive bases within chr5:138,934,078-138,934,099 gives the same sequence; the c. name uses the placement nearest the transcript's 3' end. VCF-style (leftmost placement, unchanged base first): chr5-138934077-G-GGACAGCATCTAAGTCTGCCCA. GRCh37 (hg19) VCF-style: chr5-138269766-G-GGACAGCATCTAAGTCTGCCCA.
Other names: c.*256_*276dup (NM_001290307.3, NM_001324002.1, NM_001324003.1 and 2 more transcripts); c.2402_*10dup, p.Asp801_Ter804= (NM_001290309.3); c.2342_*10dup, p.Asp781_Ter784= (NM_001290310.3); c.1601_*10dup, p.Asp534_Ter537= (NM_001290312.1, NM_001323987.1, NM_001323988.1 and 12 more transcripts); c.2711_*10dup, p.Asp904_Ter907= (NM_001323982.2, NM_001323983.1, NM_001323984.2); c.2684_*10dup, p.Asp895_Ter898= (NM_001323985.2); c.2618_*10dup, p.Asp873_Ter876= (NM_001323986.2); c.1466_*10dup, p.Asp489_Ter492= (NM_001324001.1); and 3 more.
Identifiers: ClinVar variation 1389196 (VCV001389196.6), dbSNP rs2150360628, ClinGen allele CA2573139176.